The following is an entry in ClinVar:

ClinVar aggregate classification (germline): Benign/Likely benign. Review status: criteria provided, multiple submitters, no conflicts (2 of 4 stars). 3 submissions from 3 submitters: Benign (1); Likely benign (1). 1 of the submissions does not count toward it. Last evaluated 2026-01-17.

Conditions:
SPEG-related disorder. Also called: SPEG-related condition.

Allele frequency attached by ClinVar (database versions not stated): ESP Exome Variant Server 0.00008; gnomAD exomes 0.00049; ExAC 0.00070; 1000 Genomes Project 30x 0.00312; 1000 Genomes Project 0.00319.
gnomAD v4.1: 274 of 1,609,148 alleles (0.017%); highest among the groups gnomAD compares: East Asian, 0.3%; no homozygotes.

Submissions (3):

Labcorp Genetics (formerly Invitae), Labcorp
Classification: Benign. Last evaluated: 2026-01-17. Review status: criteria provided, single submitter. Criteria: Invitae Variant Classification Sherloc (09022015). Collection method: clinical testing. Allele origin: germline.

Blueprint Genetics
Classification: Likely benign. Last evaluated: 2024-09-25. Review status: criteria provided, single submitter. Criteria: ACMG Guidelines, 2015. Collection method: clinical testing. Allele origin: germline.

PreventionGenetics, part of Exact Sciences
Classification: Likely benign for SPEG-related condition. Last evaluated: 2024-06-19. Review status: no assertion criteria provided. Collection method: clinical testing. Allele origin: germline. Not counted in ClinVar's aggregate classification.
Comment: This variant is classified as likely benign based on ACMG/AMP sequence variant interpretation guidelines (Richards et al. 2015 PMID: 25741868, with internal and published modifications).

NM_005876.5(SPEG):c.5682C>T (p.Pro1894=)

Genes: ASIC4-AS1 (ASIC4 antisense RNA 1; minus strand), SPEG (striated muscle enriched protein kinase; plus strand). Cytogenetic location: 2q35.
Variant type: single nucleotide variant.
Coding change: c.5682C>T on transcript NM_005876.5 (MANE Select); coding-DNA position 5682, C replaced by T.
Protein change: p.Pro1894=; no amino-acid change (proline 1894 retained).
Molecular consequence: synonymous variant.
Genome position (GRCh38, 1-based): chr2:219,483,145, C>T. VCF-style: chr2-219483145-C-T. GRCh37 (hg19) VCF-style: chr2-220347867-C-T.
Other names: c.5682C>T (NM_005876.4).
Identifiers: ClinVar variation 1671750 (VCV001671750.10), dbSNP rs376671564, ClinGen allele CA2126927.